The following is an entry in ClinVar:

NM_004415.4(DSP):c.3538G>A (p.Glu1180Lys)

Gene: DSP (desmoplakin; plus strand). Cytogenetic location: 6p24.3.
Variant type: single nucleotide variant.
Coding change: c.3538G>A on transcript NM_004415.4 (MANE Select); coding-DNA position 3538, G replaced by A.
Protein change: p.Glu1180Lys; replaces glutamic acid 1180 with lysine.
Molecular consequence: missense variant.
Genome position (GRCh38, 1-based): chr6:7,579,728, G>A. VCF-style: chr6-7579728-G-A. GRCh37 (hg19) VCF-style: chr6-7579961-G-A.
Other names: c.3538G>A, p.Glu1180Lys (NM_001008844.3, NM_001319034.2); short protein forms E1180K.
Identifiers: ClinVar variation 2183032 (VCV002183032.4), dbSNP rs2533924234, ClinGen allele CA362684288.

ClinVar aggregate classification (germline): Uncertain significance (1 of 4 stars; one submission).

Conditions:
Arrhythmogenic right ventricular dysplasia 8 (ARVD8). Also called: Arrhythmogenic Right Ventricular Dysplasia/Cardiomyopathy 8; ARRHYTHMOGENIC RIGHT VENTRICULAR DYSPLASIA, FAMILIAL, 8; ARRHYTHMOGENIC RIGHT VENTRICULAR CARDIOMYOPATHY 8. Identifiers: MedGen C1843896, MONDO:0011831, OMIM 607450.
Arrhythmogenic cardiomyopathy with wooly hair and keratoderma. Also called: Arrhythmogenic cardiomyopathy with woolly hair and keratoderma; Carvajal syndrome; PALMOPLANTAR KERATODERMA WITH LEFT VENTRICULAR CARDIOMYOPATHY AND WOOLLY HAIR; Dilated cardiomyopathy with woolly hair and keratoderma. Identifiers: Orphanet 65282, MedGen C1854063, MONDO:0011581, OMIM 605676.

Submission:

Labcorp Genetics (formerly Invitae), Labcorp
Classification: Uncertain significance for Arrhythmogenic cardiomyopathy with wooly hair and keratoderma; Arrhythmogenic right ventricular dysplasia 8. Last evaluated: 2022-06-16. Review status: criteria provided, single submitter. Criteria: Invitae Variant Classification Sherloc (09022015). Collection method: clinical testing. Allele origin: germline.
Comment: This variant has not been reported in the literature in individuals affected with DSP-related conditions. In summary, the available evidence is currently insufficient to determine the role of this variant in disease. Therefore, it has been classified as a Variant of Uncertain Significance. Algorithms developed to predict the effect of missense changes on protein structure and function (SIFT, PolyPhen-2, Align-GVGD) all suggest that this variant is likely to be tolerated. This variant is not present in population databases (gnomAD no frequency). This sequence change replaces glutamic acid, which is acidic and polar, with lysine, which is basic and polar, at codon 1180 of the DSP protein (p.Glu1180Lys).